The following is an entry in ClinVar:

NM_001199138.2(NLRC4):c.1328A>C (p.His443Pro)

Gene: NLRC4 (NLR family CARD domain containing 4; minus strand). Cytogenetic location: 2p22.3.
Variant type: single nucleotide variant.
Coding change: c.1328A>C on transcript NM_001199138.2 (MANE Select); coding-DNA position 1328, A replaced by C.
Protein change: p.His443Pro; replaces histidine 443 with proline.
Molecular consequence: missense variant. On other transcripts: intron variant (1).
Genome position (GRCh38, 1-based): chr2:32,250,536, T>G on the plus strand (A>C on the coding strand, the complement: NLRC4 is on the minus strand). VCF-style: chr2-32250536-T-G. GRCh37 (hg19) VCF-style: chr2-32475605-T-G.
Other names: c.1328A>C, p.His443Pro (NM_001199139.2, NM_021209.5); c.262+1883A>C (NM_001302504.1); short protein forms H443P.
Identifiers: ClinVar variation 161413 (VCV000161413.5), dbSNP rs606231460, ClinGen allele CA346058.

ClinVar aggregate classification (germline): Pathogenic. Review status: criteria provided, single submitter (1 of 4 stars). 2 submissions from 2 submitters: Pathogenic (1). 1 of the submissions does not count toward it. Last evaluated 2019-08-21.

Conditions:
Familial cold autoinflammatory syndrome 4 (FCAS4). Identifiers: Orphanet 47045, Orphanet 576349, MedGen C4015276, MONDO:0014498, OMIM 616115.
Periodic fever-infantile enterocolitis-autoinflammatory syndrome. Also called: Autoinflammation with infantile enterocolitis. Identifiers: Orphanet 436166, MedGen C4015067, MONDO:0014472, OMIM 616050.

Submissions (2):

Labcorp Genetics (formerly Invitae), Labcorp
Classification: Pathogenic for Autoinflammation with infantile enterocolitis; Familial cold autoinflammatory syndrome 4. Last evaluated: 2019-08-21. Review status: criteria provided, single submitter. Criteria: Invitae Variant Classification Sherloc (09022015). Collection method: clinical testing. Allele origin: germline.
Comment: This sequence change replaces histidine with proline at codon 443 of the NLRC4 protein (p.His443Pro). The histidine residue is highly conserved and there is a moderate physicochemical difference between histidine and proline. This variant is not present in population databases (ExAC no frequency). This variant has been observed to segregate with familial cold autoinflammatory syndrome in a family (PMID: 25385754). This variant is also known as 1589A>C in the literature. ClinVar contains an entry for this variant (Variation ID: 161413). This variant has been reported to affect NLRC4 protein function (PMID: 25385754, 27974463, 29778503). For these reasons, this variant has been classified as Pathogenic.

OMIM
Classification: Pathogenic for FAMILIAL COLD AUTOINFLAMMATORY SYNDROME 4 (1 family). Last evaluated: 2014-11-17. Review status: no assertion criteria provided. Collection method: literature only. Allele origin: germline. Not counted in ClinVar's aggregate classification.

Literature cited by the submitters: PubMed 27974463 (cited by Labcorp Genetics (formerly Invitae), Labcorp); PubMed 29778503 (cited by Labcorp Genetics (formerly Invitae), Labcorp); PubMed 25385754 (cited by Labcorp Genetics (formerly Invitae), Labcorp and OMIM); PubMed 31597739 (cited by OMIM).